The following is an entry in ClinVar:

NM_006282.5(STK4):c.713C>G (p.Thr238Arg)

Gene: STK4 (serine/threonine kinase 4; plus strand). Cytogenetic location: 20q13.12.
Variant type: single nucleotide variant.
Coding change: c.713C>G on transcript NM_006282.5 (MANE Select); coding-DNA position 713, C replaced by G.
Protein change: p.Thr238Arg; replaces threonine 238 with arginine.
Molecular consequence: missense variant.
Genome position (GRCh38, 1-based): chr20:44,997,188, C>G. VCF-style: chr20-44997188-C-G. GRCh37 (hg19) VCF-style: chr20-43625829-C-G.
Other names: c.713C>G (NM_006282.2); c.713C>G, p.Thr238Arg (NM_001352385.2); short protein forms T238R.
Identifiers: ClinVar variation 1404358 (VCV001404358.10), dbSNP rs750661803, ClinGen allele CA9873865.

ClinVar aggregate classification (germline): Uncertain significance. Review status: criteria provided, multiple submitters, no conflicts (2 of 4 stars). 2 submissions from 2 submitters: Uncertain significance (2). Last evaluated 2025-08-01.

Conditions:
Combined immunodeficiency due to STK4 deficiency (IMD110). Also called: STK4 DEFICIENCY; MST1 DEFICIENCY; T-cell immunodeficiency, recurrent infections, and autoimmunity with or without cardiac malformations. Identifiers: Orphanet 314689, MedGen C3553943, MONDO:0013934, OMIM 614868.
Inborn genetic diseases. Identifiers: MedGen C0950123, MeSH D030342.

Allele frequency attached by ClinVar (database versions not stated): gnomAD exomes below 0.00001 and 0.00001; ExAC 0.00001; gnomAD 0.00007 and 0.00009; TOPMed 0.00011.
gnomAD v4.1: 21 of 1,613,844 alleles (0.0013%); highest among the groups gnomAD compares: African/African-American, 0.021%; no homozygotes.

Submissions (2):

Ambry Genetics
Classification: Uncertain significance for Inborn genetic diseases. Last evaluated: 2025-08-01. Review status: criteria provided, single submitter. Criteria: Ambry Variant Classification Scheme 2023. Collection method: clinical testing. Allele origin: germline.

Labcorp Genetics (formerly Invitae), Labcorp
Classification: Uncertain significance for Combined immunodeficiency due to STK4 deficiency. Last evaluated: 2025-05-14. Review status: criteria provided, single submitter. Criteria: Invitae Variant Classification Sherloc (09022015). Collection method: clinical testing. Allele origin: germline.
Comment: This sequence change replaces threonine, which is neutral and polar, with arginine, which is basic and polar, at codon 238 of the STK4 protein (p.Thr238Arg). This variant is present in population databases (rs750661803, gnomAD 0.004%). This variant has not been reported in the literature in individuals affected with STK4-related conditions. ClinVar contains an entry for this variant (Variation ID: 1404358). Invitae Evidence Modeling of protein sequence and biophysical properties (such as structural, functional, and spatial information, amino acid conservation, physicochemical variation, residue mobility, and thermodynamic stability) indicates that this missense variant is not expected to disrupt STK4 protein function with a negative predictive value of 95%. In summary, the available evidence is currently insufficient to determine the role of this variant in disease. Therefore, it has been classified as a Variant of Uncertain Significance.